The following is an entry in ClinVar:

ClinVar aggregate classification (germline): Uncertain significance (1 of 4 stars; one submission).

Conditions:
Severe X-linked myotubular myopathy (CNMX). Also called: MYOTUBULAR MYOPATHY 1; Myotubular myopathy, X-linked; X-linked centronuclear myopathy. Identifiers: Orphanet 596, MedGen C0410203, MONDO:0010683, OMIM 310400.

Submission:

Labcorp Genetics (formerly Invitae), Labcorp
Classification: Uncertain significance for Severe X-linked myotubular myopathy. Last evaluated: 2022-07-25. Review status: criteria provided, single submitter. Criteria: Invitae Variant Classification Sherloc (09022015). Collection method: clinical testing. Allele origin: germline.
Comment: In summary, the available evidence is currently insufficient to determine the role of this variant in disease. Therefore, it has been classified as a Variant of Uncertain Significance. Algorithms developed to predict the effect of missense changes on protein structure and function are either unavailable or do not agree on the potential impact of this missense change (SIFT: "Deleterious"; PolyPhen-2: "Possibly Damaging"; Align-GVGD: "Class C0"). ClinVar contains an entry for this variant (Variation ID: 566537). This variant has not been reported in the literature in individuals affected with MTM1-related conditions. This variant is not present in population databases (gnomAD no frequency). This sequence change replaces glutamine, which is neutral and polar, with proline, which is neutral and non-polar, at codon 575 of the MTM1 protein (p.Gln575Pro).

NM_000252.3(MTM1):c.1724A>C (p.Gln575Pro)

Gene: MTM1 (myotubularin 1; plus strand). Cytogenetic location: Xq28.
Variant type: single nucleotide variant.
Coding change: c.1724A>C on transcript NM_000252.3 (MANE Select); coding-DNA position 1724, A replaced by C.
Protein change: p.Gln575Pro; replaces glutamine 575 with proline.
Molecular consequence: missense variant.
Genome position (GRCh38, 1-based): chrX:150,671,507, A>C. VCF-style: chrX-150671507-A-C. GRCh37 (hg19) VCF-style: chrX-149839980-A-C.
Other names: c.1721A>C, p.Gln574Pro (NM_001376906.1); c.1613A>C, p.Gln538Pro (NM_001376907.1); c.1724A>C, p.Gln575Pro (NM_001376908.1); short protein forms Q575P, Q538P, Q574P.
Identifiers: ClinVar variation 566537 (VCV000566537.11), dbSNP rs1347335331, ClinGen allele CA415023346.